The following is an entry in ClinVar:

NM_006648.4(WNK2):c.3052A>T (p.Thr1018Ser)

Gene: WNK2 (WNK lysine deficient protein kinase 2; plus strand). Cytogenetic location: 9q22.31.
Variant type: single nucleotide variant.
Coding change: c.3052A>T on transcript NM_006648.4 (MANE Select); coding-DNA position 3052, A replaced by T.
Protein change: p.Thr1018Ser; replaces threonine 1018 with serine.
Molecular consequence: missense variant.
Genome position (GRCh38, 1-based): chr9:93,259,600, A>T. VCF-style: chr9-93259600-A-T. GRCh37 (hg19) VCF-style: chr9-96021882-A-T.
Other names: c.3052A>T, p.Thr1018Ser (NM_001282394.3); short protein forms T1018S.
Identifiers: ClinVar variation 4605213 (VCV004605213.1).
Genomic context (GRCh38, chr9:93,259,600, plus strand): 5'-CTGCCTGTGCGCCCTGAGCCCCTCCAGCCCCACCTTCCTGAACAAGCTGCTCCAGCTGCT[A>T]CACCAGGGAGCCAGGTAATCACCTGCTGGGCAGGGGCTCACCCTCCCAGCGTCTGGGGAC-3'
Protein context (NP_006639.3, residues 1008-1028): HLPEQAAPAA[Thr1018Ser]PGSQILLGHP

ClinVar aggregate classification (germline): Uncertain significance (1 of 4 stars; one submission).

gnomAD v4.1: 1 of 1,587,874 alleles (0.000063%); highest among the groups gnomAD compares: Admixed American, 0.0017%; no homozygotes.

Submission:

Ambry Genetics
Classification: Uncertain significance. Last evaluated: 2025-10-02. Review status: criteria provided, single submitter. Criteria: Ambry Variant Classification Scheme 2023. Collection method: clinical testing. Allele origin: germline.
Comment: The p.T1018S variant (also known as c.3052A>T), located in coding exon 11 of the WNK2 gene, results from an A to T substitution at nucleotide position 3052. The threonine at codon 1018 is replaced by serine, an amino acid with similar properties. This amino acid position is conserved. In addition, this alteration is predicted to be tolerated by in silico analysis. Based on the available evidence, the clinical significance of this variant remains unclear.